The following is an entry in ClinVar:

NM_004304.5(ALK):c.4852C>T (p.Pro1618Ser)

Gene: ALK (ALK receptor tyrosine kinase; minus strand). Cytogenetic location: 2p23.2.
Variant type: single nucleotide variant.
Coding change: c.4852C>T on transcript NM_004304.5 (MANE Select); coding-DNA position 4852, C replaced by T.
Protein change: p.Pro1618Ser; replaces proline 1618 with serine.
Molecular consequence: missense variant.
Genome position (GRCh38, 1-based): chr2:29,193,235, G>A on the plus strand (C>T on the coding strand, the complement: ALK is on the minus strand). VCF-style: chr2-29193235-G-A. GRCh37 (hg19) VCF-style: chr2-29416101-G-A.
Other names: c.1648C>T, p.Pro550Ser (NM_001353765.2); short protein forms P1618S, P550S.
Identifiers: ClinVar variation 857975 (VCV000857975.25), dbSNP rs1668918068, ClinGen allele CA346460008.

ClinVar aggregate classification (germline): Conflicting classifications of pathogenicity. Review status: criteria provided, conflicting classifications (1 of 4 stars). 4 submissions from 4 submitters: Uncertain significance (3); Likely benign (1). Last evaluated 2025-01-11.

Conditions:
Hereditary cancer-predisposing syndrome. Also called: Hereditary Cancer Syndrome; Neoplastic Syndromes, Hereditary; Tumor predisposition; Hereditary neoplastic syndrome. Identifiers: Orphanet 140162, MedGen C0027672, MeSH D009386, MONDO:0015356.
Neuroblastoma, susceptibility to, 3. Also called: ALK-Related Neuroblastic Tumor Susceptibility. Identifiers: Orphanet 635, MedGen C2751681, MONDO:0013083, OMIM 613014.

Allele frequency attached by ClinVar (database versions not stated): gnomAD exomes below 0.00001.
gnomAD v4.1: 1 of 1,614,078 alleles (0.000062%); highest among the groups gnomAD compares: Non-Finnish European, 0.000085%; no homozygotes.

Submissions (4):

Labcorp Genetics (formerly Invitae), Labcorp
Classification: Uncertain significance for Neuroblastoma, susceptibility to, 3. Last evaluated: 2025-01-11. Review status: criteria provided, single submitter. Criteria: Invitae Variant Classification Sherloc (09022015). Collection method: clinical testing. Allele origin: germline.
Comment: This sequence change replaces proline, which is neutral and non-polar, with serine, which is neutral and polar, at codon 1618 of the ALK protein (p.Pro1618Ser). This variant is not present in population databases (gnomAD no frequency). This variant has not been reported in the literature in individuals affected with ALK-related conditions. ClinVar contains an entry for this variant (Variation ID: 857975). An algorithm developed to predict the effect of missense changes on protein structure and function (PolyPhen-2) suggests that this variant is likely to be tolerated. In summary, the available evidence is currently insufficient to determine the role of this variant in disease. Therefore, it has been classified as a Variant of Uncertain Significance.

Ambry Genetics
Classification: Likely benign for Hereditary cancer-predisposing syndrome. Last evaluated: 2024-12-28. Review status: criteria provided, single submitter. Criteria: Ambry Variant Classification Scheme 2023. Collection method: clinical testing. Allele origin: germline.

CeGaT Center for Human Genetics Tuebingen
Classification: Uncertain significance. Last evaluated: 2024-12-01. Review status: criteria provided, single submitter. Criteria: CeGaT Center For Human Genetics Tuebingen Variant Classification Criteria Version 2. Collection method: clinical testing. Allele origin: germline. Affected: yes. Observed: 1 variant allele.
Comment: ALK: PM2, BP4

Baylor Genetics
Classification: Uncertain significance for Neuroblastoma, susceptibility to, 3. Last evaluated: 2024-01-26. Review status: criteria provided, single submitter. Criteria: ACMG Guidelines, 2015. Collection method: clinical testing. Allele origin: unknown.